The following is an entry in ClinVar:

ClinVar aggregate classification (germline): Uncertain significance. Review status: criteria provided, multiple submitters, no conflicts (2 of 4 stars). 3 submissions from 3 submitters: Uncertain significance (3). Last evaluated 2024-11-18.

Conditions:
TANGO2-related disorder. Also called: TANGO2-related condition.

Allele frequency attached by ClinVar (database versions not stated): gnomAD 0.00003 and 0.00004; gnomAD exomes 0.00010 and 0.00021; TOPMed 0.00011; ExAC 0.00017.
gnomAD v4.1: 66 of 1,613,794 alleles (0.0041%); highest among the groups gnomAD compares: Admixed American, 0.11%; no homozygotes.

Submissions (3):

PreventionGenetics, part of Exact Sciences
Classification: Uncertain significance for TANGO2-related condition. Last evaluated: 2024-11-18. Review status: criteria provided, single submitter. Criteria: ACMG Guidelines, 2015. Collection method: clinical testing. Allele origin: germline.
Comment: The TANGO2 c.338G>A variant is predicted to result in the amino acid substitution p.Gly113Asp. To our knowledge, this variant has not been reported in the literature. This variant is reported in 0.16% of alleles in individuals of Latino descent in gnomAD. Although we suspect that this variant may be benign, at this time, the clinical significance of this variant is uncertain due to the absence of conclusive functional and genetic evidence.

GeneDx
Classification: Uncertain significance. Last evaluated: 2024-07-31. Review status: criteria provided, single submitter. Criteria: GeneDx Variant Classification Process June 2021. Collection method: clinical testing. Allele origin: germline. Affected: yes.
Comment: In silico analysis supports that this missense variant has a deleterious effect on protein structure/function; Has not been previously published as pathogenic or benign to our knowledge

Labcorp Genetics (formerly Invitae), Labcorp
Classification: Uncertain significance. Last evaluated: 2022-10-17. Review status: criteria provided, single submitter. Criteria: Invitae Variant Classification Sherloc (09022015). Collection method: clinical testing. Allele origin: germline.
Comment: This sequence change replaces glycine, which is neutral and non-polar, with aspartic acid, which is acidic and polar, at codon 113 of the TANGO2 protein (p.Gly113Asp). This variant is present in population databases (rs763917891, gnomAD 0.2%). This variant has not been reported in the literature in individuals affected with TANGO2-related conditions. ClinVar contains an entry for this variant (Variation ID: 1384526). Algorithms developed to predict the effect of missense changes on protein structure and function are either unavailable or do not agree on the potential impact of this missense change (SIFT: "Not Available"; PolyPhen-2: "Probably Damaging"; Align-GVGD: "Not Available"). In summary, the available evidence is currently insufficient to determine the role of this variant in disease. Therefore, it has been classified as a Variant of Uncertain Significance.

NM_152906.7(TANGO2):c.338G>A (p.Gly113Asp)

Gene: TANGO2 (transport and golgi organization 2 homolog; plus strand). Cytogenetic location: 22q11.21.
Variant type: single nucleotide variant.
Coding change: c.338G>A on transcript NM_152906.7 (MANE Select); coding-DNA position 338, G replaced by A.
Protein change: p.Gly113Asp; replaces glycine 113 with aspartic acid.
Molecular consequence: missense variant. On other transcripts: non-coding transcript variant (1), intron variant (18).
Genome position (GRCh38, 1-based): chr22:20,053,509, G>A. VCF-style: chr22-20053509-G-A. GRCh37 (hg19) VCF-style: chr22-20041032-G-A.
Other names: c.338G>A (NM_152906.4, NM_152906.6); c.461G>A, p.Gly154Asp (NM_001283215.3, NM_001322141.2, NM_001322143.2 and 3 more transcripts); c.338G>A, p.Gly113Asp (NM_001322142.2, NM_001283106.3, NM_001283116.3 and 3 more transcripts); c.236G>A, p.Gly79Asp (NM_001322146.2, NM_001322148.2, NM_001322160.2); c.265+925G>A (NM_001322163.2, NM_001283179.3, NM_001322167.2 and 4 more transcripts); c.86+925G>A (NM_001322174.2, NM_001322172.2, NM_001322175.2 and 6 more transcripts); c.388+925G>A (NM_001322145.2, NM_001322147.2); short protein forms G154D, G79D, G113D.
Identifiers: ClinVar variation 1384526 (VCV001384526.5), dbSNP rs763917891, ClinGen allele CA10106289.